The following is an entry in ClinVar:

NM_000368.5(TSC1):c.109C>G (p.Arg37Gly)

Gene: TSC1 (TSC complex subunit 1; minus strand). Cytogenetic location: 9q34.13.
Variant type: single nucleotide variant.
Coding change: c.109C>G on transcript NM_000368.5 (MANE Select); coding-DNA position 109, C replaced by G.
Protein change: p.Arg37Gly; replaces arginine 37 with glycine.
Molecular consequence: missense variant. On other transcripts: 5 prime UTR variant (9), non-coding transcript variant (4), intron variant (9).
Genome position (GRCh38, 1-based): chr9:132,927,302, G>C on the plus strand (C>G on the coding strand, the complement: TSC1 is on the minus strand). VCF-style: chr9-132927302-G-C. GRCh37 (hg19) VCF-style: chr9-135802689-G-C.
Other names: c.109C>G, p.Arg37Gly (NM_001162426.2, NM_001162427.2, NM_001406592.1 and 21 more transcripts); c.-380C>G (NM_001406615.1, NM_001406623.1); c.-347C>G (NM_001406616.1, NM_001406624.1); c.-769C>G (NM_001406626.1, NM_001406627.1, NM_001406628.1); c.-911C>G (NM_001406629.1); c.-985C>G (NM_001406630.1); c.-153-1563C>G (NM_001406620.1, NM_001406618.1); c.-154+1465C>G (NM_001406625.1, NM_001406621.1, NM_001406617.1 and 3 more transcripts); and 1 more; short protein forms R37G.
Identifiers: ClinVar variation 3679288 (VCV003679288.2).

ClinVar aggregate classification (germline): Uncertain significance (1 of 4 stars; one submission).

Conditions:
Tuberous sclerosis 1 (TSC1). Identifiers: Orphanet 805, MedGen C1854465, MONDO:0008612, OMIM 191100.

gnomAD v4.1: 1 of 1,613,340 alleles (0.000062%); highest among the groups gnomAD compares: Non-Finnish European, 0.000085%; no homozygotes.

Submission:

Labcorp Genetics (formerly Invitae), Labcorp
Classification: Uncertain significance for Tuberous sclerosis 1. Last evaluated: 2025-01-07. Review status: criteria provided, single submitter. Criteria: Invitae Variant Classification Sherloc (09022015). Collection method: clinical testing. Allele origin: germline.
Comment: This sequence change replaces arginine, which is basic and polar, with glycine, which is neutral and non-polar, at codon 37 of the TSC1 protein (p.Arg37Gly). This variant is not present in population databases (gnomAD no frequency). This missense change has been observed in individual(s) with developmental delay (PMID: 33057194). Invitae Evidence Modeling of protein sequence and biophysical properties (such as structural, functional, and spatial information, amino acid conservation, physicochemical variation, residue mobility, and thermodynamic stability) has been performed for this missense variant. However, the output from this modeling did not meet the statistical confidence thresholds required to predict the impact of this variant on TSC1 protein function. In summary, the available evidence is currently insufficient to determine the role of this variant in disease. Therefore, it has been classified as a Variant of Uncertain Significance.

Literature cited by the submitters: PubMed 33057194.